The following is an entry in ClinVar:

ClinVar aggregate classification (germline): Likely pathogenic (1 of 4 stars; one submission).

Conditions:
FBN1-related disorder. Also called: FBN1-related disorders.

Submission:

Greenwood Genetic Center Diagnostic Laboratories, Greenwood Genetic Center
Classification: Likely pathogenic for FBN1-related disorder. Last evaluated: 2023-05-02. Review status: criteria provided, single submitter. Criteria: ACMG Guidelines, 2015. Collection method: clinical testing. Allele origin: germline. Affected: yes.
Comment: PS2, PM2, PP2

NM_000138.5(FBN1):c.6315G>T (p.Glu2105Asp)

Gene: FBN1 (fibrillin 1; minus strand). Cytogenetic location: 15q21.1.
Variant type: single nucleotide variant.
Coding change: c.6315G>T on transcript NM_000138.5 (MANE Select); coding-DNA position 6315, G replaced by T.
Protein change: p.Glu2105Asp; replaces glutamic acid 2105 with aspartic acid.
Molecular consequence: missense variant.
Genome position (GRCh38, 1-based): chr15:48,437,386, C>A on the plus strand (G>T on the coding strand, the complement: FBN1 is on the minus strand). VCF-style: chr15-48437386-C-A. GRCh37 (hg19) VCF-style: chr15-48729583-C-A.
Other names: c.6315G>T, p.Glu2105Asp (NM_001406716.1); short protein forms E2105D.
Identifiers: ClinVar variation 2572188 (VCV002572188.1), dbSNP rs1478813051, ClinGen allele CA392336868.